The following is an entry in ClinVar:

GRCh38/hg38 16p11.2(chr16:29617341-30154404)x3

Genes: ALDOA (aldolase, fructose-bisphosphate A; plus strand), ASPHD1 (aspartate beta-hydroxylase domain containing 1; plus strand), C16orf54 (chromosome 16 open reading frame 54; minus strand), CDIPT (CDP-diacylglycerol--inositol 3-phosphatidyltransferase; minus strand), CDIPTOSP (CDIP transferase opposite strand, pseudogene; plus strand) and 91 more. Cytogenetic location: 16p11.2.
Variant type: copy number gain.
Change: copy number 3 (three copies instead of two) of chr16:29,617,341-30,154,404 (537.1 kb, GRCh38 coordinates, 1-based), cytogenetic band 16p11.2.
Identifiers: ClinVar variation 4796278 (VCV004796278.1).

ClinVar aggregate classification (germline): Pathogenic (1 of 4 stars; one submission).

Submission:

Medical Genetic Center, Changzhi Maternal and Child Health Care Hospital
Classification: Pathogenic. Last evaluated: 2025-12-10. Review status: criteria provided, single submitter. Criteria: ACMG/ClinGen CNV Guidelines, 2019. Collection method: clinical testing. Allele origin: unknown.
Comment: 2A:16p11.2 recurrent region (proximal, BP4-BP5) (includes TBX6)